The following is an entry in ClinVar:

NM_001378030.1(CCDC78):c.721G>A (p.Asp241Asn)

Gene: CCDC78 (coiled-coil domain containing 78; minus strand). Cytogenetic location: 16p13.3.
Variant type: single nucleotide variant.
Coding change: c.721G>A on transcript NM_001378030.1 (MANE Select); coding-DNA position 721, G replaced by A.
Protein change: p.Asp241Asn; replaces aspartic acid 241 with asparagine.
Molecular consequence: missense variant. On other transcripts: non-coding transcript variant (5), intron variant (1).
Genome position (GRCh38, 1-based): chr16:724,725, C>T on the plus strand (G>A on the coding strand, the complement: CCDC78 is on the minus strand). VCF-style: chr16-724725-C-T. GRCh37 (hg19) VCF-style: chr16-774725-C-T.
Other names: c.721G>A (NM_001031737.2); c.721G>A, p.Asp241Asn (NM_001031737.3, NM_001378031.1); c.199-216G>A (NM_001378033.1); short protein forms D241N.
Identifiers: ClinVar variation 1389988 (VCV001389988.9), dbSNP rs370899425, ClinGen allele CA7789448.

ClinVar aggregate classification (germline): Uncertain significance. Review status: criteria provided, multiple submitters, no conflicts (2 of 4 stars). 2 submissions from 2 submitters: Uncertain significance (2). Last evaluated 2025-11-03.

Conditions:
Inborn genetic diseases. Identifiers: MedGen C0950123, MeSH D030342.
Congenital myopathy with internal nuclei and atypical cores. Also called: Myopathy, centronuclear, 4. Identifiers: Orphanet 319160, MedGen C4707232, MONDO:0013890, OMIM 614807.

Allele frequency attached by ClinVar (database versions not stated): TOPMed 0.00002; ESP Exome Variant Server 0.00008; ExAC 0.00001; gnomAD exomes 0.00001 and 0.00002; gnomAD 0.00002.

Submissions (2):

Labcorp Genetics (formerly Invitae), Labcorp
Classification: Uncertain significance for Congenital myopathy with internal nuclei and atypical cores. Last evaluated: 2025-11-03. Review status: criteria provided, single submitter. Criteria: Invitae Variant Classification Sherloc (09022015). Collection method: clinical testing. Allele origin: germline.
Comment: This sequence change replaces aspartic acid, which is acidic and polar, with asparagine, which is neutral and polar, at codon 241 of the CCDC78 protein (p.Asp241Asn). This variant is present in population databases (rs370899425, gnomAD 0.007%). This variant has not been reported in the literature in individuals affected with CCDC78-related conditions. ClinVar contains an entry for this variant (Variation ID: 1389988). Invitae Evidence Modeling of protein sequence and biophysical properties (such as structural, functional, and spatial information, amino acid conservation, physicochemical variation, residue mobility, and thermodynamic stability) indicates that this missense variant is not expected to disrupt CCDC78 protein function with a negative predictive value of 80%. In summary, the available evidence is currently insufficient to determine the role of this variant in disease. Therefore, it has been classified as a Variant of Uncertain Significance.

Ambry Genetics
Classification: Uncertain significance for Inborn genetic diseases. Last evaluated: 2024-01-03. Review status: criteria provided, single submitter. Criteria: Ambry Variant Classification Scheme 2023. Collection method: clinical testing. Allele origin: germline.